The following is an entry in ClinVar:

ClinVar aggregate classification (germline): Benign. Review status: criteria provided, multiple submitters, no conflicts (2 of 4 stars). 3 submissions from 3 submitters: Benign (3). Last evaluated 2026-07-01.

Conditions:
Glycogen storage disease, type II (IOPD). Also called: CARDIOMEGALIA GLYCOGENICA DIFFUSA; GLYCOGENOSIS, GENERALIZED, CARDIAC FORM; GSD II; Glycogen storage disease type 2; Acid maltase deficiency disease; Aglucosidase alfa. Identifiers: Orphanet 365, MedGen C0017921, MONDO:0009290, OMIM 232300.

Allele frequency attached by ClinVar (database versions not stated): TOPMed 0.70159; 1000 Genomes Project 30x 0.71205; 1000 Genomes Project 0.71246; gnomAD 0.72067; gnomAD exomes 0.74166.
gnomAD v4.1: 1,175,773 of 1,589,250 alleles (74%); highest among the groups gnomAD compares: Middle Eastern, 82%; 437,110 homozygotes.

Submissions (3):

Genomenon, Inc
Classification: Benign for Glycogen storage disease, type II. Last evaluated: 2026-07-01. Review status: criteria provided, single submitter. Criteria: Genomenon Sequence Variant Interpretation Standards - Updated. Collection method: curation. Allele origin: germline. Affected: no.
Comment: GAA c.956-107G>A is an intronic variant located in intron 5. This variant is present at high allele frequency in population databases. We classify GAA c.956-107G>A as a benign variant.

GeneDx
Classification: Benign. Last evaluated: 2018-06-23. Review status: criteria provided, single submitter. Criteria: GeneDx Variant Classification Process June 2021. Collection method: clinical testing. Allele origin: germline. Affected: yes.

Breakthrough Genomics
Classification: Benign. Review status: criteria provided, single submitter. Criteria: ACMG Guidelines, 2015. Collection method: not provided. Allele origin: germline. Inheritance: Autosomal recessive inheritance. Affected: yes.

NM_000152.5(GAA):c.956-107G>A

Gene: GAA (alpha glucosidase; plus strand). Cytogenetic location: 17q25.3.
Variant type: single nucleotide variant.
Coding change: c.956-107G>A on transcript NM_000152.5 (MANE Select); 107 bases into the intron before coding-DNA position 956, G replaced by A.
Molecular consequence: intron variant.
Genome position (GRCh38, 1-based): chr17:80,108,183, G>A. VCF-style: chr17-80108183-G-A. GRCh37 (hg19) VCF-style: chr17-78081982-G-A.
Other names: c.956-107G>A (NM_001079803.3, NM_001079804.3).
Identifiers: ClinVar variation 1247598 (VCV001247598.4), dbSNP rs2241888, ClinGen allele CA14499603.